The following is an entry in ClinVar:

NM_004855.5(PIGB):c.161G>A (p.Gly54Glu)

Genes: PIGB (phosphatidylinositol glycan anchor biosynthesis class B; plus strand), LOC130057105 (ATAC-STARR-seq lymphoblastoid active region 9444; plus strand). Cytogenetic location: 15q21.3.
Variant type: single nucleotide variant.
Coding change: c.161G>A on transcript NM_004855.5 (MANE Select); coding-DNA position 161, G replaced by A.
Protein change: p.Gly54Glu; replaces glycine 54 with glutamic acid.
Molecular consequence: missense variant.
Genome position (GRCh38, 1-based): chr15:55,319,411, G>A. VCF-style: chr15-55319411-G-A. GRCh37 (hg19) VCF-style: chr15-55611609-G-A.
Other names: c.161G>A (NM_004855.4); short protein forms G54E.
Identifiers: ClinVar variation 2050320 (VCV002050320.4), dbSNP rs764037754, ClinGen allele CA7573769.

ClinVar aggregate classification (germline): Uncertain significance. Review status: criteria provided, multiple submitters, no conflicts (2 of 4 stars). 2 submissions from 2 submitters: Uncertain significance (2). Last evaluated 2024-11-11.

Conditions:
Inborn genetic diseases. Identifiers: MedGen C0950123, MeSH D030342.

Allele frequency attached by ClinVar (database versions not stated): gnomAD 0.00001; ExAC 0.00015.
gnomAD v4.1: 26 of 1,551,540 alleles (0.0017%); highest among the groups gnomAD compares: South Asian, 0.03%; no homozygotes.

Submissions (2):

Labcorp Genetics (formerly Invitae), Labcorp
Classification: Uncertain significance. Last evaluated: 2024-11-11. Review status: criteria provided, single submitter. Criteria: Invitae Variant Classification Sherloc (09022015). Collection method: clinical testing. Allele origin: germline.
Comment: This sequence change replaces glycine, which is neutral and non-polar, with glutamic acid, which is acidic and polar, at codon 54 of the PIGB protein (p.Gly54Glu). This variant is present in population databases (rs764037754, gnomAD 0.03%). This variant has not been reported in the literature in individuals affected with PIGB-related conditions. ClinVar contains an entry for this variant (Variation ID: 2050320). An algorithm developed to predict the effect of missense changes on protein structure and function (PolyPhen-2) suggests that this variant¬†is likely to be tolerated. In summary, the available evidence is currently insufficient to determine the role of this variant in disease. Therefore, it has been classified as a Variant of Uncertain Significance.

Ambry Genetics
Classification: Uncertain significance for Inborn genetic diseases. Last evaluated: 2023-10-05. Review status: criteria provided, single submitter. Criteria: Ambry Variant Classification Scheme 2023. Collection method: clinical testing. Allele origin: germline.